The following is an entry in ClinVar:

ClinVar aggregate classification (germline): Uncertain significance (1 of 4 stars; one submission).

Conditions:
Early-infantile DEE. Also called: Ohtahara syndrome; Early infantile epileptic encephalopathy with suppression bursts; Early infantile epileptic encephalopathy. Identifiers: Orphanet 1934, MedGen C0393706, MONDO:0800491.

Allele frequency attached by ClinVar (database versions not stated): gnomAD exomes below 0.00001.

Submission:

Labcorp Genetics (formerly Invitae), Labcorp
Classification: Uncertain significance for Early-infantile DEE. Last evaluated: 2024-08-12. Review status: criteria provided, single submitter. Criteria: Invitae Variant Classification Sherloc (09022015). Collection method: clinical testing. Allele origin: germline.
Comment: This sequence change replaces threonine, which is neutral and polar, with serine, which is neutral and polar, at codon 59 of the ARHGEF15 protein (p.Thr59Ser). This variant is present in population databases (no rsID available, gnomAD 0.001%). This variant has not been reported in the literature in individuals affected with ARHGEF15-related conditions. ClinVar contains an entry for this variant (Variation ID: 1037448). An algorithm developed to predict the effect of missense changes on protein structure and function outputs the following: PolyPhen-2: "Benign". The serine amino acid residue is found in multiple mammalian species, which suggests that this missense change does not adversely affect protein function. In summary, the available evidence is currently insufficient to determine the role of this variant in disease. Therefore, it has been classified as a Variant of Uncertain Significance.

NM_173728.4(ARHGEF15):c.175A>T (p.Thr59Ser)

Gene: ARHGEF15 (Rho guanine nucleotide exchange factor 15; plus strand). Cytogenetic location: 17p13.1.
Variant type: single nucleotide variant.
Coding change: c.175A>T on transcript NM_173728.4 (MANE Select); coding-DNA position 175, A replaced by T.
Protein change: p.Thr59Ser; replaces threonine 59 with serine.
Molecular consequence: missense variant.
Genome position (GRCh38, 1-based): chr17:8,312,214, A>T. VCF-style: chr17-8312214-A-T. GRCh37 (hg19) VCF-style: chr17-8215532-A-T.
Other names: c.175A>T, p.Thr59Ser (NM_025014.2); short protein forms T59S.
Identifiers: ClinVar variation 1037448 (VCV001037448.9), dbSNP rs1407525714, ClinGen allele CA398013607.